The following is an entry in ClinVar:

ClinVar aggregate classification (germline): Uncertain significance (1 of 4 stars; one submission).

Submission:

CeGaT Center for Human Genetics Tuebingen
Classification: Uncertain significance. Last evaluated: 2023-11-01. Review status: criteria provided, single submitter. Criteria: CeGaT Center For Human Genetics Tuebingen Variant Classification Criteria Version 2. Collection method: clinical testing. Allele origin: germline. Affected: yes. Observed: 1 variant allele.
Comment: DNAH7: PM2

NM_018897.3(DNAH7):c.9947A>G (p.Tyr3316Cys)

Gene: DNAH7 (dynein axonemal heavy chain 7; minus strand). Cytogenetic location: 2q32.3.
Variant type: single nucleotide variant.
Coding change: c.9947A>G on transcript NM_018897.3 (MANE Select); coding-DNA position 9947, A replaced by G.
Protein change: p.Tyr3316Cys; replaces tyrosine 3316 with cysteine.
Molecular consequence: missense variant.
Genome position (GRCh38, 1-based): chr2:195,808,818, T>C on the plus strand (A>G on the coding strand, the complement: DNAH7 is on the minus strand). VCF-style: chr2-195808818-T-C. GRCh37 (hg19) VCF-style: chr2-196673542-T-C.
Other names: short protein forms Y3316C.
Identifiers: ClinVar variation 2672856 (VCV002672856.23), dbSNP rs2469360399, ClinGen allele CA349947064.